The following is an entry in ClinVar:

ClinVar aggregate classification (germline): Pathogenic (1 of 4 stars; one submission).

Conditions:
Bardet-Biedl syndrome (BBS). Identifiers: Orphanet 110, MedGen C0752166, MONDO:0015229.

Submission:

Labcorp Genetics (formerly Invitae), Labcorp
Classification: Pathogenic for Bardet-Biedl syndrome. Last evaluated: 2025-01-19. Review status: criteria provided, single submitter. Criteria: Invitae Variant Classification Sherloc (09022015). Collection method: clinical testing. Allele origin: germline.
Comment: This sequence change creates a premature translational stop signal (p.Tyr81*) in the BBS12 gene. While this is not anticipated to result in nonsense mediated decay, it is expected to disrupt the last 630 amino acid(s) of the BBS12 protein. This variant is not present in population databases (gnomAD no frequency). This variant has not been reported in the literature in individuals affected with BBS12-related conditions. This variant disrupts a region of the BBS12 protein in which other variant(s) (p.Asp687Valfs*3) have been determined to be pathogenic (internal data). This suggests that this is a clinically significant region of the protein, and that variants that disrupt it are likely to be disease-causing. For these reasons, this variant has been classified as Pathogenic.

NM_152618.3(BBS12):c.243_244del (p.Tyr81_Arg82delinsTer)

Gene: BBS12 (Bardet-Biedl syndrome 12; plus strand). Cytogenetic location: 4q27.
Variant type: Microsatellite.
Coding change: c.243_244del on transcript NM_152618.3 (MANE Select); coding-DNA positions 243 to 244, 2 bases deleted (TA; older notation c.243_244delTA).
Protein change: p.Tyr81_Arg82delinsTer.
Molecular consequence: nonsense.
Genome position (GRCh38, 1-based): chr4:122,742,135-122,742,136, TA deleted; deleting any 2 consecutive bases within chr4:122,742,132-122,742,136 gives the same sequence; the c. name uses the placement nearest the transcript's 3' end. VCF-style (leftmost placement, unchanged base first): chr4-122742131-CAT-C. GRCh37 (hg19) VCF-style: chr4-123663286-CAT-C.
Other names: c.243_244del, p.Tyr81_Arg82delinsTer (NM_001178007.2).
Identifiers: ClinVar variation 3729206 (VCV003729206.2).